The following is an entry in ClinVar:

ClinVar aggregate classification (germline): Uncertain significance (1 of 4 stars; one submission).

Conditions:
Inborn genetic diseases. Identifiers: MedGen C0950123, MeSH D030342.

Allele frequency attached by ClinVar (database versions not stated): ExAC 0.00001; gnomAD 0.00001; TOPMed 0.00001.
gnomAD v4.1: 3 of 1,613,558 alleles (0.00019%); highest among the groups gnomAD compares: African/African-American, 0.0013%; no homozygotes.

Submission:

Ambry Genetics
Classification: Uncertain significance for Inborn genetic diseases. Last evaluated: 2022-07-11. Review status: criteria provided, single submitter. Criteria: Ambry Variant Classification Scheme 2023. Collection method: clinical testing. Allele origin: germline.
Comment: The p.A1329S variant (also known as c.3985G>T), located in coding exon 29 of the LRRK2 gene, results from a G to T substitution at nucleotide position 3985. The alanine at codon 1329 is replaced by serine, an amino acid with similar properties. This amino acid position is conserved. In addition, the in silico prediction for this alteration is inconclusive. Since supporting evidence is limited at this time, the clinical significance of this alteration remains unclear.

NM_198578.4(LRRK2):c.3985G>T (p.Ala1329Ser)

Gene: LRRK2 (leucine rich repeat kinase 2; plus strand). Cytogenetic location: 12q12.
Variant type: single nucleotide variant.
Coding change: c.3985G>T on transcript NM_198578.4 (MANE Select); coding-DNA position 3985, G replaced by T.
Protein change: p.Ala1329Ser; replaces alanine 1329 with serine.
Molecular consequence: missense variant.
Genome position (GRCh38, 1-based): chr12:40,308,492, G>T. VCF-style: chr12-40308492-G-T. GRCh37 (hg19) VCF-style: chr12-40702294-G-T.
Other names: short protein forms A1329S.
Identifiers: ClinVar variation 1736728 (VCV001736728.2), dbSNP rs746160900, ClinGen allele CA6514063.